The following is an entry in ClinVar:

NM_001904.4(CTNNB1):c.1258G>A (p.Ala420Thr)

Genes: CTNNB1 (catenin beta 1; plus strand), LOC126806659 (BRD4-independent group 4 enhancer GRCh37_chr3:41274918-41276117; plus strand). Cytogenetic location: 3p22.1.
Variant type: single nucleotide variant.
Coding change: c.1258G>A on transcript NM_001904.4 (MANE Select); coding-DNA position 1258, G replaced by A.
Protein change: p.Ala420Thr; replaces alanine 420 with threonine.
Molecular consequence: missense variant.
Genome position (GRCh38, 1-based): chr3:41,233,601, G>A. VCF-style: chr3-41233601-G-A. GRCh37 (hg19) VCF-style: chr3-41275092-G-A.
Other names: c.1258G>A, p.Ala420Thr (NM_001098209.2, NM_001098210.2, NM_001438871.1 and 4 more transcripts); c.1237G>A, p.Ala413Thr (NM_001330729.2); short protein forms A413T, A420T.
Identifiers: ClinVar variation 4743318 (VCV004743318.1).

ClinVar aggregate classification (germline): Uncertain significance (1 of 4 stars; one submission).

Submission:

Labcorp Genetics (formerly Invitae), Labcorp
Classification: Uncertain significance. Last evaluated: 2025-04-14. Review status: criteria provided, single submitter. Criteria: Invitae Variant Classification Sherloc (09022015). Collection method: clinical testing. Allele origin: germline.
Comment: This sequence change replaces alanine, which is neutral and non-polar, with threonine, which is neutral and polar, at codon 420 of the CTNNB1 protein (p.Ala420Thr). This variant is not present in population databases (gnomAD no frequency). This variant has not been reported in the literature in individuals affected with CTNNB1-related conditions. Invitae Evidence Modeling of protein sequence and biophysical properties (such as structural, functional, and spatial information, amino acid conservation, physicochemical variation, residue mobility, and thermodynamic stability) indicates that this missense variant is not expected to disrupt CTNNB1 protein function with a negative predictive value of 80%. In summary, the available evidence is currently insufficient to determine the role of this variant in disease. Therefore, it has been classified as a Variant of Uncertain Significance.